The following is an entry in ClinVar:

ClinVar aggregate classification (germline): Likely benign (1 of 4 stars; one submission).

Conditions:
FDFT1-related disorder. Also called: FDFT1-related condition.

Submission:

PreventionGenetics, part of Exact Sciences
Classification: Likely benign for FDFT1-related condition. Last evaluated: 2025-02-13. Review status: criteria provided, single submitter. Criteria: ACMG Guidelines, 2015. Collection method: clinical testing. Allele origin: germline.
Comment: This variant is classified as likely benign based on ACMG/AMP sequence variant interpretation guidelines (Richards et al. 2015 PMID: 25741868, with internal and published modifications).

NM_004462.5(FDFT1):c.100-286C>T

Genes: FDFT1 (farnesyl-diphosphate farnesyltransferase 1), LOC129999906 (ATAC-STARR-seq lymphoblastoid silent region 18942). Cytogenetic location: 8p23.1.
Variant type: single nucleotide variant.
Coding change: c.100-286C>T on transcript NM_004462.5 (MANE Select); 286 bases into the intron before coding-DNA position 100, C replaced by T.
Molecular consequence: intron variant. On other transcripts: 5 prime UTR variant (1).
Genome position (GRCh38, 1-based): chr8:11,808,508, C>T. VCF-style: chr8-11808508-C-T. GRCh37 (hg19) VCF-style: chr8-11666017-C-T.
Other names: c.-10C>T (NM_001287750.2); c.100-286C>T (NM_001287742.2, NM_001287743.2); c.-93-286C>T (NM_001287744.2, NM_001287745.2, NM_001287747.2 and 1 more transcripts); c.64+5598C>T (NM_001287756.2); c.-94+191C>T (NM_001287749.2).
Identifiers: ClinVar variation 5001900 (VCV005001900.1).